The following is an entry in ClinVar:

ClinVar aggregate classification (germline): Uncertain significance. Review status: criteria provided, multiple submitters, no conflicts (2 of 4 stars). 2 submissions from 2 submitters: Uncertain significance (2). Last evaluated 2025-04-13.

Allele frequency attached by ClinVar (database versions not stated): ExAC 0.00002; TOPMed 0.00002.
gnomAD v4.1: 19 of 1,546,084 alleles (0.0012%); highest among the groups gnomAD compares: South Asian, 0.0098%; no homozygotes.

Submissions (2):

Labcorp Genetics (formerly Invitae), Labcorp
Classification: Uncertain significance. Last evaluated: 2025-04-13. Review status: criteria provided, single submitter. Criteria: Invitae Variant Classification Sherloc (09022015). Collection method: clinical testing. Allele origin: germline.
Comment: This sequence change replaces arginine, which is basic and polar, with histidine, which is basic and polar, at codon 813 of the MKL1 protein (p.Arg813His). This variant is present in population databases (rs759103928, gnomAD 0.02%). This variant has not been reported in the literature in individuals affected with MKL1-related conditions. ClinVar contains an entry for this variant (Variation ID: 1967852). An algorithm developed to predict the effect of missense changes on protein structure and function (PolyPhen-2) suggests that this variant is likely to be disruptive. In summary, the available evidence is currently insufficient to determine the role of this variant in disease. Therefore, it has been classified as a Variant of Uncertain Significance.

Blueprint Genetics
Classification: Uncertain significance. Last evaluated: 2024-09-24. Review status: criteria provided, single submitter. Criteria: ACMG Guidelines, 2015. Collection method: clinical testing. Allele origin: germline.

NM_020831.6(MRTFA):c.2738G>A (p.Arg913His)

Gene: MRTFA (myocardin related transcription factor A; minus strand). Cytogenetic location: 22q13.1.
Variant type: single nucleotide variant.
Coding change: c.2738G>A on transcript NM_020831.6 (MANE Select); coding-DNA position 2738, G replaced by A.
Protein change: p.Arg913His; replaces arginine 913 with histidine.
Molecular consequence: missense variant. On other transcripts: 3 prime UTR variant (1).
Genome position (GRCh38, 1-based): chr22:40,411,748, C>T on the plus strand (G>A on the coding strand, the complement: MRTFA is on the minus strand). VCF-style: chr22-40411748-C-T. GRCh37 (hg19) VCF-style: chr22-40807752-C-T.
Other names: c.2438G>A, p.Arg813His (NM_001282660.2); c.2588G>A, p.Arg863His (NM_001282661.3); c.*51G>A (NM_001282662.3); c.2543G>A, p.Arg848His (NM_001318139.2); short protein forms R813H, R848H, R913H, R863H.
Identifiers: ClinVar variation 1967852 (VCV001967852.6), dbSNP rs759103928, ClinGen allele CA10249222.